The following is an entry in ClinVar:

NM_001008387.3(REG3G):c.90G>A (p.Gln30=)

Gene: REG3G (regenerating family member 3 gamma; plus strand). Cytogenetic location: 2p12.
Variant type: single nucleotide variant.
Coding change: c.90G>A on transcript NM_001008387.3 (MANE Select); coding-DNA position 90, G replaced by A.
Protein change: p.Gln30=; no amino-acid change (glutamine 30 retained).
Molecular consequence: synonymous variant.
Genome position (GRCh38, 1-based): chr2:79,026,726, G>A. VCF-style: chr2-79026726-G-A. GRCh37 (hg19) VCF-style: chr2-79253852-G-A.
Other names: c.90G>A, p.Gln30= (NM_001270040.2, NM_198448.4).
Identifiers: ClinVar variation 2559891 (VCV002559891.4), dbSNP rs752631491, ClinGen allele CA1733926.

ClinVar aggregate classification (germline): Likely benign. Review status: criteria provided, multiple submitters, no conflicts (2 of 4 stars). 2 submissions from 2 submitters: Likely benign (2). Last evaluated 2026-04-01.

Allele frequency attached by ClinVar (database versions not stated): TOPMed 0.00005; gnomAD exomes 0.00006; gnomAD 0.00007; ExAC 0.00012.
gnomAD v4.1: 102 of 1,613,508 alleles (0.0063%); highest among the groups gnomAD compares: Admixed American, 0.025%; no homozygotes.

Submissions (2):

CeGaT Center for Human Genetics Tuebingen
Classification: Likely benign. Last evaluated: 2026-04-01. Review status: criteria provided, single submitter. Criteria: CeGaT Center For Human Genetics Tuebingen Variant Classification Criteria Version 2. Collection method: clinical testing. Allele origin: germline. Affected: yes. Observed: 1 variant allele.
Comment: REG3G: BP4, BP7

Ambry Genetics
Classification: Likely benign. Last evaluated: 2023-06-13. Review status: criteria provided, single submitter. Criteria: Ambry Variant Classification Scheme 2023. Collection method: clinical testing. Allele origin: germline.